The following is an entry in ClinVar:

NM_006031.6(PCNT):c.8924T>C (p.Leu2975Pro)

Gene: PCNT (pericentrin; plus strand). Cytogenetic location: 21q22.3.
Variant type: single nucleotide variant.
Coding change: c.8924T>C on transcript NM_006031.6 (MANE Select); coding-DNA position 8924, T replaced by C.
Protein change: p.Leu2975Pro; replaces leucine 2975 with proline.
Molecular consequence: missense variant.
Genome position (GRCh38, 1-based): chr21:46,436,076, T>C. VCF-style: chr21-46436076-T-C. GRCh37 (hg19) VCF-style: chr21-47855989-T-C.
Other names: c.8333T>C, p.Leu2778Pro (NM_001315529.2); short protein forms L2975P, L2778P.
Identifiers: ClinVar variation 159682 (VCV000159682.34), dbSNP rs35881595, ClinGen allele CA173135.

ClinVar aggregate classification (germline): Benign/Likely benign. Review status: criteria provided, multiple submitters, no conflicts (2 of 4 stars). 10 submissions from 10 submitters: Benign (7); Likely benign (3). Last evaluated 2026-06-01.

Conditions:
Microcephalic osteodysplastic primordial dwarfism type II (MOPD2). Also called: MOPD II; OSTEODYSPLASTIC PRIMORDIAL DWARFISM, TYPE II; Microcephalic osteodysplastic primordial dwarfism with tooth abnormalities. Identifiers: Orphanet 2637, MedGen C0432246, MONDO:0008872, OMIM 210720.

Allele frequency attached by ClinVar (database versions not stated): ExAC 0.00282; gnomAD exomes 0.00292; 1000 Genomes Project 0.00459; 1000 Genomes Project 30x 0.00468; gnomAD 0.00600 and 0.00647; ESP Exome Variant Server 0.00608; TOPMed 0.00699.
gnomAD v4.1: 3,124 of 1,613,046 alleles (0.19%); highest among the groups gnomAD compares: African/African-American, 1.5%; 25 homozygotes.

Submissions (10):

CeGaT Center for Human Genetics Tuebingen
Classification: Benign. Last evaluated: 2026-06-01. Review status: criteria provided, single submitter. Criteria: CeGaT Center For Human Genetics Tuebingen Variant Classification Criteria Version 2. Collection method: clinical testing. Allele origin: germline. Affected: yes. Observed: 4 variant alleles.
Comment: PCNT: BS1, BS2

Labcorp Genetics (formerly Invitae), Labcorp
Classification: Benign. Last evaluated: 2026-01-31. Review status: criteria provided, single submitter. Criteria: Invitae Variant Classification Sherloc (09022015). Collection method: clinical testing. Allele origin: germline.

Genomic Medicine Center of Excellence, King Faisal Specialist Hospital and Research Centre
Classification: Likely benign. Last evaluated: 2025-08-18. Review status: criteria provided, single submitter. Criteria: ACMG Guidelines, 2015. Collection method: clinical testing. Allele origin: germline.

Blueprint Genetics
Classification: Likely benign. Last evaluated: 2024-11-20. Review status: criteria provided, single submitter. Criteria: ACMG Guidelines, 2015. Collection method: clinical testing. Allele origin: germline.

ARUP Laboratories, Molecular Genetics and Genomics, ARUP Laboratories
Classification: Benign for Microcephalic osteodysplastic primordial dwarfism type II. Last evaluated: 2024-10-23. Review status: criteria provided, single submitter. Criteria: ARUP Molecular Germline Variant Investigation Process 2024. Collection method: clinical testing. Allele origin: germline.

Fulgent Genetics
Classification: Likely benign for Microcephalic osteodysplastic primordial dwarfism type II. Last evaluated: 2022-03-28. Review status: criteria provided, single submitter. Criteria: ACMG Guidelines, 2015. Collection method: clinical testing. Allele origin: unknown.

GeneDx
Classification: Benign. Last evaluated: 2020-02-07. Review status: criteria provided, single submitter. Criteria: GeneDx Variant Classification Process June 2021. Collection method: clinical testing. Allele origin: germline. Affected: yes.

Illumina Laboratory Services, Illumina
Classification: Benign for Microcephalic osteodysplastic primordial dwarfism type II. Last evaluated: 2018-01-12. Review status: criteria provided, single submitter. Criteria: ICSL Variant Classification Criteria 13 December 2019. Collection method: clinical testing. Allele origin: germline.
Comment: This variant was observed in the ICSL laboratory as part of a predisposition screen in an ostensibly healthy population. It had not been previously curated by ICSL or reported in the Human Gene Mutation Database (HGMD: prior to June 1st, 2018), and was therefore a candidate for classification through an automated scoring system. Utilizing variant allele frequency, disease prevalence and penetrance estimates, and inheritance mode, an automated score was calculated to assess if this variant is too frequent to cause the disease. Based on the score and internal cut-off values, a variant classified as benign is not then subjected to further curation. The score for this variant resulted in a classification of benign for this disease.

Genetic Services Laboratory, University of Chicago
Classification: Benign. Last evaluated: 2013-02-08. Review status: criteria provided, single submitter. Criteria: ACMG Guidelines, 2007. Collection method: clinical testing. Allele origin: germline. Inheritance: Autosomal recessive inheritance.

Breakthrough Genomics
Classification: Benign. Review status: criteria provided, single submitter. Criteria: ACMG Guidelines, 2015. Collection method: not provided. Allele origin: germline. Inheritance: Autosomal recessive inheritance. Affected: yes.